The following is an entry in ClinVar:

ClinVar aggregate classification (germline): Uncertain significance (1 of 4 stars; one submission).

gnomAD v4.1: 2 of 1,614,066 alleles (0.00012%); highest among the groups gnomAD compares: Non-Finnish European, 0.00017%; no homozygotes.

Submission:

GeneDx
Classification: Uncertain significance. Last evaluated: 2025-01-29. Review status: criteria provided, single submitter. Criteria: GeneDx Variant Classification Process June 2021. Collection method: clinical testing. Allele origin: germline. Affected: yes.
Comment: Not observed at significant frequency in large population cohorts (gnomAD); In silico analysis supports that this missense variant has a deleterious effect on protein structure/function; Has not been previously published as pathogenic or benign to our knowledge; This variant is associated with the following publications: (PMID: 24438169)

NM_001130987.2(DYSF):c.2410C>A (p.Pro804Thr)

Gene: DYSF (dysferlin; plus strand). Cytogenetic location: 2p13.2.
Variant type: single nucleotide variant.
Coding change: c.2410C>A on transcript NM_001130987.2 (MANE Select); coding-DNA position 2410, C replaced by A.
Protein change: p.Pro804Thr; replaces proline 804 with threonine.
Molecular consequence: missense variant.
Genome position (GRCh38, 1-based): chr2:71,564,058, C>A. VCF-style: chr2-71564058-C-A. GRCh37 (hg19) VCF-style: chr2-71791188-C-A.
Other names: c.2359C>A, p.Pro787Thr (NM_001130455.2, NM_001130983.2); c.2314C>A, p.Pro772Thr (NM_001130976.2, NM_001130977.2); c.2356C>A, p.Pro786Thr (NM_001130978.2, NM_003494.4); c.2449C>A, p.Pro817Thr (NM_001130979.2); c.2407C>A, p.Pro803Thr (NM_001130980.2, NM_001130981.2); c.2452C>A, p.Pro818Thr (NM_001130982.2); c.2317C>A, p.Pro773Thr (NM_001130984.2, NM_001130986.2); c.2410C>A, p.Pro804Thr (NM_001130985.2); short protein forms P772T, P773T, P786T, P787T, P803T, P804T, P817T, P818T.
Identifiers: ClinVar variation 4072537 (VCV004072537.1).
Genomic context (GRCh38, chr2:71,564,058, plus strand): 5'-GCTGTGGGGCGTGGGCCTGGTGTGTCACCATCCCCACCCCGACCACCACCCTCTGTTCAG[C>A]CCCAGAACAGCCTGCCGGACATCGTCATCTGGATGCTGCAGGGAGACAAGCGTGTGGCAT-3'
Protein context (NP_001124459.1, residues 794-814): LLRLRALAEE[Pro804Thr]QNSLPDIVIW